The following is an entry in ClinVar:

ClinVar aggregate classification (germline): Pathogenic (1 of 4 stars; one submission).

Conditions:
Isolated microphthalmia 2. Identifiers: Orphanet 2542, MedGen C1864720, MONDO:0012409, OMIM 610093.

Submission:

Labcorp Genetics (formerly Invitae), Labcorp
Classification: Pathogenic for Isolated microphthalmia 2. Last evaluated: 2022-11-07. Review status: criteria provided, single submitter. Criteria: Invitae Variant Classification Sherloc (09022015). Collection method: clinical testing. Allele origin: germline.
Comment: For these reasons, this variant has been classified as Pathogenic. This variant has not been reported in the literature in individuals affected with VSX2-related conditions. This variant is a gross deletion of the genomic region encompassing exon(s) 2-3 of the VSX2 gene. This deletion is out-of-frame, and is expected to create a premature termination codon and result in an absent or disrupted protein product. Loss-of-function variants in VSX2 are known to be pathogenic (PMID: 20414678).

Literature cited by the submitters: PubMed 20414678.

NC_000014.8:g.(?_74707875)_(74712001_?)del

Gene: VSX2 (visual system homeobox 2; plus strand). Cytogenetic location: 14q24.3.
Variant type: Deletion.
Identifiers: ClinVar variation 1457945 (VCV001457945.6).